The following is an entry in ClinVar:

ClinVar aggregate classification (germline): Uncertain significance. Review status: criteria provided, multiple submitters, no conflicts (2 of 4 stars). 2 submissions from 2 submitters: Uncertain significance (2). Last evaluated 2025-10-15.

Conditions:
Inborn genetic diseases. Identifiers: MedGen C0950123, MeSH D030342.

Allele frequency attached by ClinVar (database versions not stated): gnomAD exomes below 0.00001.
gnomAD v4.1: 2 of 1,611,876 alleles (0.00012%); highest among the groups gnomAD compares: Non-Finnish European, 0.00017%; no homozygotes.

Submissions (2):

Ambry Genetics
Classification: Uncertain significance for Inborn genetic diseases. Last evaluated: 2025-10-15. Review status: criteria provided, single submitter. Criteria: Ambry Variant Classification Scheme 2023. Collection method: clinical testing. Allele origin: germline.

Labcorp Genetics (formerly Invitae), Labcorp
Classification: Uncertain significance. Last evaluated: 2021-12-02. Review status: criteria provided, single submitter. Criteria: Invitae Variant Classification Sherloc (09022015). Collection method: clinical testing. Allele origin: germline.
Comment: This variant has not been reported in the literature in individuals affected with AUTS2-related conditions. In summary, the available evidence is currently insufficient to determine the role of this variant in disease. Therefore, it has been classified as a Variant of Uncertain Significance. Algorithms developed to predict the effect of sequence changes on RNA splicing suggest that this variant may create or strengthen a splice site. Algorithms developed to predict the effect of missense changes on protein structure and function are either unavailable or do not agree on the potential impact of this missense change (SIFT: "Deleterious"; PolyPhen-2: "Benign"; Align-GVGD: "Class C25"). This variant is not present in population databases (gnomAD no frequency). This sequence change replaces lysine, which is basic and polar, with arginine, which is basic and polar, at codon 981 of the AUTS2 protein (p.Lys981Arg).

NM_015570.4(AUTS2):c.2942A>G (p.Lys981Arg)

Gene: AUTS2 (activator of transcription and developmental regulator AUTS2; plus strand). Cytogenetic location: 7q11.22.
Variant type: single nucleotide variant.
Coding change: c.2942A>G on transcript NM_015570.4 (MANE Select); coding-DNA position 2942, A replaced by G.
Protein change: p.Lys981Arg; replaces lysine 981 with arginine.
Molecular consequence: missense variant.
Genome position (GRCh38, 1-based): chr7:70,790,158, A>G. VCF-style: chr7-70790158-A-G. GRCh37 (hg19) VCF-style: chr7-70255144-A-G.
Other names: c.2870A>G, p.Lys957Arg (NM_001127231.3); c.2942A>G (NM_015570.2); short protein forms K981R, K957R.
Identifiers: ClinVar variation 1981691 (VCV001981691.5), dbSNP rs2484983723, ClinGen allele CA367665148.